The following is an entry in ClinVar:

ClinVar aggregate classification (germline): Uncertain significance (1 of 4 stars; one submission).

Conditions:
Hereditary cancer-predisposing syndrome. Also called: Neoplastic Syndromes, Hereditary; Hereditary Cancer Syndrome; Hereditary neoplastic syndrome; Tumor predisposition. Identifiers: Orphanet 140162, MedGen C0027672, MeSH D009386, MONDO:0015356.

Submission:

Ambry Genetics
Classification: Uncertain significance for Hereditary cancer-predisposing syndrome. Last evaluated: 2023-04-18. Review status: criteria provided, single submitter. Criteria: Ambry Variant Classification Scheme 2023. Collection method: clinical testing. Allele origin: germline.
Comment: The p.I606L variant (also known as c.1816A>C), located in coding exon 16 of the TSC2 gene, results from an A to C substitution at nucleotide position 1816. The isoleucine at codon 606 is replaced by leucine, an amino acid with highly similar properties. This amino acid position is conserved. In addition, the in silico prediction for this alteration is inconclusive. Since supporting evidence is limited at this time, the clinical significance of this alteration remains unclear.

NM_000548.5(TSC2):c.1816A>C (p.Ile606Leu)

Gene: TSC2 (TSC complex subunit 2; plus strand). Cytogenetic location: 16p13.3.
Variant type: single nucleotide variant.
Coding change: c.1816A>C on transcript NM_000548.5 (MANE Select); coding-DNA position 1816, A replaced by C.
Protein change: p.Ile606Leu; replaces isoleucine 606 with leucine.
Molecular consequence: missense variant. On other transcripts: non-coding transcript variant (5).
Genome position (GRCh38, 1-based): chr16:2,070,555, A>C. VCF-style: chr16-2070555-A-C. GRCh37 (hg19) VCF-style: chr16-2120556-A-C.
Other names: c.1216A>C, p.Ile406Leu (NM_001406682.1, NM_001406683.1, NM_001406684.1 and 6 more transcripts); c.472A>C, p.Ile158Leu (NM_001406689.1, NM_001406690.1, NM_001406691.1 and 6 more transcripts); c.214A>C, p.Ile72Leu (NM_001406698.1); c.1816A>C, p.Ile606Leu (NM_021055.3, NM_001077183.3, NM_001114382.3 and 6 more transcripts); c.1705A>C, p.Ile569Leu (NM_001318827.2, NM_001406670.1, NM_001406678.1); c.1669A>C, p.Ile557Leu (NM_001318829.2, NM_001406675.1, NM_001406676.1 and 1 more transcripts); c.1849A>C, p.Ile617Leu (NM_001318832.2); c.1906A>C, p.Ile636Leu (NM_001406667.1, NM_001406668.1); and 3 more; short protein forms I587L, I602L, I617L, I72L, I569L, I606L, I636L, I452L.
Identifiers: ClinVar variation 2564674 (VCV002564674.2), dbSNP rs371074761, ClinGen allele CA394272978.